The following is an entry in ClinVar:

ClinVar aggregate classification (germline): Uncertain significance (1 of 4 stars; one submission).

gnomAD v4.1: 85 of 1,614,016 alleles (0.0053%); highest among the groups gnomAD compares: Non-Finnish European, 0.0068%; no homozygotes.

Submission:

Labcorp Genetics (formerly Invitae), Labcorp
Classification: Uncertain significance. Last evaluated: 2021-08-16. Review status: criteria provided, single submitter. Criteria: Invitae Variant Classification Sherloc (09022015). Collection method: clinical testing. Allele origin: germline.
Comment: Algorithms developed to predict the effect of missense changes on protein structure and function output the following: SIFT: "Not Available"; PolyPhen-2: "Benign"; Align-GVGD: "Not Available". The serine amino acid residue is found in multiple mammalian species, which suggests that this missense change does not adversely affect protein function. This sequence change replaces proline with serine at codon 140 of the C9 protein (p.Pro140Ser). The proline residue is weakly conserved and there is a moderate physicochemical difference between proline and serine. This variant is present in population databases (rs182243824, ExAC 0.002%). This variant has not been reported in the literature in individuals affected with C9-related conditions. In summary, the available evidence is currently insufficient to determine the role of this variant in disease. Therefore, it has been classified as a Variant of Uncertain Significance.

NM_001737.5(C9):c.418C>T (p.Pro140Ser)

Gene: C9 (complement C9; minus strand). Cytogenetic location: 5p13.1.
Variant type: single nucleotide variant.
Coding change: c.418C>T on transcript NM_001737.5 (MANE Select); coding-DNA position 418, C replaced by T.
Protein change: p.Pro140Ser; replaces proline 140 with serine.
Molecular consequence: missense variant.
Genome position (GRCh38, 1-based): chr5:39,341,204, G>A on the plus strand (C>T on the coding strand, the complement: C9 is on the minus strand). VCF-style: chr5-39341204-G-A. GRCh37 (hg19) VCF-style: chr5-39341306-G-A.
Other names: short protein forms P140S.
Identifiers: ClinVar variation 1514114 (VCV001514114.5), dbSNP rs182243824, ClinGen allele CA3247018.